The following is an entry in ClinVar:

ClinVar aggregate classification (germline): Pathogenic. Review status: criteria provided, multiple submitters, no conflicts (2 of 4 stars). 3 submissions from 3 submitters: Pathogenic (3). Last evaluated 2025-10-11.

Conditions:
Tay-Sachs disease (TSD). Also called: Hexosaminidase A Deficiency; HEXA Disorders; HEXA DEFICIENCY; GM2 gangliosidosis, type 1; Hexosaminidase alpha-subunit deficiency (variant B); Sphingolipidosis, Tay-Sachs. Identifiers: Orphanet 845, MedGen C0039373, MONDO:0010100, OMIM 272800.

Allele frequency attached by ClinVar (database versions not stated): gnomAD exomes below 0.00001.

Submissions (3):

Myriad Genetics, Inc.
Classification: Pathogenic for Tay-Sachs disease. Last evaluated: 2025-10-11. Review status: criteria provided, single submitter. Criteria: Myriad Autosomal Dominant, Autosomal Recessive and X-Linked Classification Criteria (2023). Collection method: clinical testing. Allele origin: unknown.
Comment: NM_000520.4(HEXA):c.743delT(L248Pfs*27) is expected to be pathogenic in the context of hexosaminidase A deficiency. This variant is predicted to lead to an abnormal or absent protein product due to the creation of a premature termination codon in HEXA, a gene where loss-of-function variants are known to be pathogenic. Please note: this variant was assessed in the context of healthy population screening.

Labcorp Genetics (formerly Invitae), Labcorp
Classification: Pathogenic for Tay-Sachs disease. Last evaluated: 2022-04-11. Review status: criteria provided, single submitter. Criteria: Invitae Variant Classification Sherloc (09022015). Collection method: clinical testing. Allele origin: germline.
Comment: This variant has not been reported in the literature in individuals affected with HEXA-related conditions. This sequence change creates a premature translational stop signal (p.Leu248Profs*27) in the HEXA gene. It is expected to result in an absent or disrupted protein product. Loss-of-function variants in HEXA are known to be pathogenic (PMID: 1833974, 8490625). This variant is not present in population databases (gnomAD no frequency). ClinVar contains an entry for this variant (Variation ID: 1184915). For these reasons, this variant has been classified as Pathogenic.

Institute of Medical Genetics and Applied Genomics, University Hospital Tübingen
Classification: Pathogenic. Last evaluated: 2021-06-17. Review status: criteria provided, single submitter. Criteria: ACMG Guidelines, 2015. Collection method: clinical testing. Allele origin: germline. Inheritance: Autosomal recessive inheritance. Affected: yes.

Literature cited by the submitters: PubMed 1833974 (cited by Labcorp Genetics (formerly Invitae), Labcorp); PubMed 8490625 (cited by Labcorp Genetics (formerly Invitae), Labcorp).

NM_000520.6(HEXA):c.743del (p.Leu248fs)

Gene: HEXA (hexosaminidase subunit alpha; minus strand). Cytogenetic location: 15q23.
Variant type: Deletion.
Coding change: c.743del on transcript NM_000520.6 (MANE Select); coding-DNA position 743, one base deleted (T; older notation c.743delT).
Protein change: p.Leu248fs; shifts the reading frame from leucine 248.
Molecular consequence: frameshift variant. On other transcripts: non-coding transcript variant (1).
Genome position (GRCh38, 1-based): chr15:72,350,580, A deleted on the plus strand (T on the coding strand, the reverse complement: HEXA is on the minus strand). VCF-style (leftmost placement, unchanged base first): chr15-72350579-GA-G. GRCh37 (hg19) VCF-style: chr15-72642920-GA-G.
Other names: c.776del, p.Leu259fs (NM_001318825.2); short protein forms L248fs, L259fs.
Identifiers: ClinVar variation 1184915 (VCV001184915.8), dbSNP rs2140324174, ClinGen allele CA2499223081.